The following is an entry in ClinVar:

ClinVar aggregate classification (germline): Uncertain significance (1 of 4 stars; one submission).

Allele frequency attached by ClinVar (database versions not stated): TOPMed below 0.00001.
gnomAD v4.1: 3 of 1,603,948 alleles (0.00019%); highest among the groups gnomAD compares: African/African-American, 0.0013%; no homozygotes.

Submission:

Ambry Genetics
Classification: Uncertain significance. Last evaluated: 2022-10-30. Review status: criteria provided, single submitter. Criteria: Ambry Variant Classification Scheme 2023. Collection method: clinical testing. Allele origin: germline.
Comment: The p.G1681S variant (also known as c.5041G>A), located in coding exon 37 of the MYOM1 gene, results from a G to A substitution at nucleotide position 5041. The glycine at codon 1681 is replaced by serine, an amino acid with similar properties. This amino acid position is conserved. In addition, this alteration is predicted to be tolerated by in silico analysis. Since supporting evidence is limited at this time, the clinical significance of this alteration remains unclear.

NM_003803.4(MYOM1):c.5041G>A (p.Gly1681Ser)

Gene: MYOM1 (myomesin 1; minus strand). Cytogenetic location: 18p11.31.
Variant type: single nucleotide variant.
Coding change: c.5041G>A on transcript NM_003803.4 (MANE Select); coding-DNA position 5041, G replaced by A.
Protein change: p.Gly1681Ser; replaces glycine 1681 with serine.
Molecular consequence: missense variant.
Genome position (GRCh38, 1-based): chr18:3,067,279, C>T on the plus strand (G>A on the coding strand, the complement: MYOM1 is on the minus strand). VCF-style: chr18-3067279-C-T. GRCh37 (hg19) VCF-style: chr18-3067277-C-T.
Other names: c.4753G>A, p.Gly1585Ser (NM_019856.2); short protein forms G1585S, G1681S.
Identifiers: ClinVar variation 1744954 (VCV001744954.2), dbSNP rs769553242, ClinGen allele CA295530083.